The following is an entry in ClinVar:

ClinVar aggregate classification (germline): Uncertain significance (1 of 4 stars; one submission).

Conditions:
3-methylcrotonyl-CoA carboxylase 1 deficiency (MCC1D). Also called: MCC 1 deficiency; 3 Alpha methylcrotonylglycinuria 1; MCCD TYPE 1; METHYLCROTONYLGLYCINURIA TYPE I. Identifiers: Orphanet 6, MedGen CN028786, MONDO:0008861, OMIM 210200.

Allele frequency attached by ClinVar (database versions not stated): gnomAD exomes below 0.00001; ExAC 0.00001; gnomAD 0.00001.
gnomAD v4.1: 1 of 1,614,122 alleles (0.000062%); highest among the groups gnomAD compares: Admixed American, 0.0017%; no homozygotes.

Submission:

Labcorp Genetics (formerly Invitae), Labcorp
Classification: Uncertain significance for 3-methylcrotonyl-CoA carboxylase 1 deficiency. Last evaluated: 2025-05-04. Review status: criteria provided, single submitter. Criteria: Invitae Variant Classification Sherloc (09022015). Collection method: clinical testing. Allele origin: germline.
Comment: This sequence change replaces alanine, which is neutral and non-polar, with valine, which is neutral and non-polar, at codon 117 of the MCCC1 protein (p.Ala117Val). The frequency data for this variant in the population databases is considered unreliable, as metrics indicate poor data quality at this position in the gnomAD database. This variant has not been reported in the literature in individuals affected with MCCC1-related conditions. ClinVar contains an entry for this variant (Variation ID: 1438213). Invitae Evidence Modeling of protein sequence and biophysical properties (such as structural, functional, and spatial information, amino acid conservation, physicochemical variation, residue mobility, and thermodynamic stability) has been performed for this missense variant. However, the output from this modeling did not meet the statistical confidence thresholds required to predict the impact of this variant on MCCC1 protein function. In summary, the available evidence is currently insufficient to determine the role of this variant in disease. Therefore, it has been classified as a Variant of Uncertain Significance.

NM_020166.5(MCCC1):c.350C>T (p.Ala117Val)

Gene: MCCC1 (methylcrotonyl-CoA carboxylase subunit 1; minus strand). Cytogenetic location: 3q27.1.
Variant type: single nucleotide variant.
Coding change: c.350C>T on transcript NM_020166.5 (MANE Select); coding-DNA position 350, C replaced by T.
Protein change: p.Ala117Val; replaces alanine 117 with valine.
Molecular consequence: missense variant. On other transcripts: non-coding transcript variant (1).
Genome position (GRCh38, 1-based): chr3:183,086,712, G>A on the plus strand (C>T on the coding strand, the complement: MCCC1 is on the minus strand). VCF-style: chr3-183086712-G-A. GRCh37 (hg19) VCF-style: chr3-182804500-G-A.
Other names: c.121C>T, p.Pro41Ser (NM_001293273.2); c.23C>T, p.Ala8Val (NM_001363880.1); short protein forms A117V, A8V, P41S.
Identifiers: ClinVar variation 1438213 (VCV001438213.7), dbSNP rs754963220, ClinGen allele CA2719102.